The following is an entry in ClinVar:

ClinVar aggregate classification (germline): Uncertain significance. Review status: criteria provided, multiple submitters, no conflicts (2 of 4 stars). 2 submissions from 2 submitters: Uncertain significance (2). Last evaluated 2025-04-17.

Conditions:
Inborn genetic diseases. Identifiers: MedGen C0950123, MeSH D030342.

Allele frequency attached by ClinVar (database versions not stated): gnomAD 0.00001; TOPMed 0.00002.
gnomAD v4.1: 1 of 1,614,028 alleles (0.000062%); highest among the groups gnomAD compares: African/African-American, 0.0013%; no homozygotes.

Submissions (2):

Labcorp Genetics (formerly Invitae), Labcorp
Classification: Uncertain significance. Last evaluated: 2025-04-17. Review status: criteria provided, single submitter. Criteria: Invitae Variant Classification Sherloc (09022015). Collection method: clinical testing. Allele origin: germline.
Comment: This sequence change replaces proline, which is neutral and non-polar, with alanine, which is neutral and non-polar, at codon 383 of the CDH3 protein (p.Pro383Ala). This variant is not present in population databases (gnomAD no frequency). This variant has not been reported in the literature in individuals affected with CDH3-related conditions. ClinVar contains an entry for this variant (Variation ID: 1493580). Invitae Evidence Modeling of protein sequence and biophysical properties (such as structural, functional, and spatial information, amino acid conservation, physicochemical variation, residue mobility, and thermodynamic stability) indicates that this missense variant is not expected to disrupt CDH3 protein function with a negative predictive value of 80%. In summary, the available evidence is currently insufficient to determine the role of this variant in disease. Therefore, it has been classified as a Variant of Uncertain Significance.

Ambry Genetics
Classification: Uncertain significance for Inborn genetic diseases. Last evaluated: 2025-04-11. Review status: criteria provided, single submitter. Criteria: Ambry Variant Classification Scheme 2023. Collection method: clinical testing. Allele origin: germline.

NM_001793.6(CDH3):c.1147C>G (p.Pro383Ala)

Gene: CDH3 (cadherin 3; plus strand). Cytogenetic location: 16q22.1.
Variant type: single nucleotide variant.
Coding change: c.1147C>G on transcript NM_001793.6 (MANE Select); coding-DNA position 1147, C replaced by G.
Protein change: p.Pro383Ala; replaces proline 383 with alanine.
Molecular consequence: missense variant.
Genome position (GRCh38, 1-based): chr16:68,682,452, C>G. VCF-style: chr16-68682452-C-G. GRCh37 (hg19) VCF-style: chr16-68716355-C-G.
Other names: c.1147C>G (NM_001793.4); c.1147C>G, p.Pro383Ala (NM_001317195.3); c.982C>G, p.Pro328Ala (NM_001317196.2); short protein forms P383A, P328A.
Identifiers: ClinVar variation 1493580 (VCV001493580.7), dbSNP rs1165651591, ClinGen allele CA396453347.
Genomic context (GRCh38, chr16:68,682,452, plus strand): 5'-CGTGCCACCTACCTTATCATGGGCGGTGACGACGGGGACCATTTTACCATCACCACCCAC[C>G]CTGAGAGCAACCAGGGCATCCTGACAACCAGGAAGGTGAGTCAGTTCGGGCCTCAGACAA-3'
Protein context (NP_001784.2, residues 373-393): DGDHFTITTH[Pro383Ala]ESNQGILTTR